The following is an entry in ClinVar:

ClinVar aggregate classification (germline): Uncertain significance (1 of 4 stars; one submission).

Conditions:
Facioscapulohumeral muscular dystrophy 2 (FSHD2). Also called: MUSCULAR DYSTROPHY, FACIOSCAPULOHUMERAL, TYPE 1B; FACIOSCAPULOHUMERAL MUSCULAR DYSTROPHY 2, DIGENIC; FSHD2, DIGENIC. Identifiers: Orphanet 269, MedGen C1834671, MONDO:0008031, OMIM 158901.

Submission:

Labcorp Genetics (formerly Invitae), Labcorp
Classification: Uncertain significance for Facioscapulohumeral muscular dystrophy 2. Last evaluated: 2024-10-16. Review status: criteria provided, single submitter. Criteria: Invitae Variant Classification Sherloc (09022015). Collection method: clinical testing. Allele origin: germline.
Comment: This sequence change replaces serine, which is neutral and polar, with leucine, which is neutral and non-polar, at codon 152 of the SMCHD1 protein (p.Ser152Leu). This variant is not present in population databases (gnomAD no frequency). This variant has not been reported in the literature in individuals affected with SMCHD1-related conditions. Invitae Evidence Modeling of protein sequence and biophysical properties (such as structural, functional, and spatial information, amino acid conservation, physicochemical variation, residue mobility, and thermodynamic stability) indicates that this missense variant is expected to disrupt SMCHD1 protein function with a positive predictive value of 80%. In summary, the available evidence is currently insufficient to determine the role of this variant in disease. Therefore, it has been classified as a Variant of Uncertain Significance.

NM_015295.3(SMCHD1):c.455C>T (p.Ser152Leu)

Gene: SMCHD1 (structural maintenance of chromosomes flexible hinge domain containing 1; plus strand). Cytogenetic location: 18p11.32.
Variant type: single nucleotide variant.
Coding change: c.455C>T on transcript NM_015295.3 (MANE Select); coding-DNA position 455, C replaced by T.
Protein change: p.Ser152Leu; replaces serine 152 with leucine.
Molecular consequence: missense variant.
Genome position (GRCh38, 1-based): chr18:2,673,311, C>T. VCF-style: chr18-2673311-C-T. GRCh37 (hg19) VCF-style: chr18-2673310-C-T.
Other names: short protein forms S152L.
Identifiers: ClinVar variation 3665492 (VCV003665492.2).